The following is an entry in ClinVar:

ClinVar aggregate classification (germline): Uncertain significance (1 of 4 stars; one submission).

Conditions:
Hereditary cancer-predisposing syndrome. Also called: Neoplastic Syndromes, Hereditary; Hereditary Cancer Syndrome; Hereditary neoplastic syndrome; Tumor predisposition. Identifiers: Orphanet 140162, MedGen C0027672, MeSH D009386, MONDO:0015356.

Submission:

Ambry Genetics
Classification: Uncertain significance for Hereditary cancer-predisposing syndrome. Last evaluated: 2023-04-18. Review status: criteria provided, single submitter. Criteria: Ambry Variant Classification Scheme 2023. Collection method: clinical testing. Allele origin: germline.
Comment: The p.I409M variant (also known as c.1227T>G), located in coding exon 10 of the TSC1 gene, results from a T to G substitution at nucleotide position 1227. The isoleucine at codon 409 is replaced by methionine, an amino acid with highly similar properties. This amino acid position is conserved. In addition, this alteration is predicted to be tolerated by in silico analysis. Since supporting evidence is limited at this time, the clinical significance of this alteration remains unclear.

NM_000368.5(TSC1):c.1227T>G (p.Ile409Met)

Gene: TSC1 (TSC complex subunit 1; minus strand). Cytogenetic location: 9q34.13.
Variant type: single nucleotide variant.
Coding change: c.1227T>G on transcript NM_000368.5 (MANE Select); coding-DNA position 1227, T replaced by G.
Protein change: p.Ile409Met; replaces isoleucine 409 with methionine.
Molecular consequence: missense variant. On other transcripts: non-coding transcript variant (5).
Genome position (GRCh38, 1-based): chr9:132,910,607, A>C on the plus strand (T>G on the coding strand, the complement: TSC1 is on the minus strand). VCF-style: chr9-132910607-A-C. GRCh37 (hg19) VCF-style: chr9-135785994-A-C.
Other names: c.864T>G, p.Ile288Met (NM_001362177.2, NM_001406614.1, NM_001406615.1 and 5 more transcripts); c.1227T>G, p.Ile409Met (NM_001406592.1, NM_001406593.1, NM_001406594.1 and 7 more transcripts); c.1224T>G, p.Ile408Met (NM_001406597.1, NM_001406598.1, NM_001406599.1 and 6 more transcripts); c.1074T>G, p.Ile358Met (NM_001406610.1, NM_001162427.2); c.1071T>G, p.Ile357Met (NM_001406611.1, NM_001406612.1, NM_001406613.1); c.861T>G, p.Ile287Met (NM_001406620.1, NM_001406621.1, NM_001406622.1 and 2 more transcripts); c.276T>G, p.Ile92Met (NM_001406626.1); c.273T>G, p.Ile91Met (NM_001406627.1, NM_001406628.1); and 1 more; short protein forms I409M, I91M, I357M, I408M, I58M, I288M, I358M, I287M.
Identifiers: ClinVar variation 2562875 (VCV002562875.2), dbSNP rs2538831545, ClinGen allele CA375366854.